The following is an entry in ClinVar:

NM_001134831.2(AHI1):c.2283del (p.Gly762fs)

Gene: AHI1 (Abelson helper integration site 1; minus strand). Cytogenetic location: 6q23.3.
Variant type: Deletion.
Coding change: c.2283del on transcript NM_001134831.2 (MANE Select); coding-DNA position 2283, one base deleted (A; older notation c.2283delA).
Protein change: p.Gly762fs; shifts the reading frame from glycine 762.
Molecular consequence: frameshift variant.
Genome position (GRCh38, 1-based): chr6:135,431,298, T deleted on the plus strand (A on the coding strand, the reverse complement: AHI1 is on the minus strand). VCF-style (leftmost placement, unchanged base first): chr6-135431297-CT-C. GRCh37 (hg19) VCF-style: chr6-135752435-CT-C.
Other names: c.2283del, p.Gly762fs (NM_001134830.2, NM_001134832.2, NM_001350503.2 and 2 more transcripts); short protein forms G762fs.
Identifiers: ClinVar variation 2576618 (VCV002576618.2), dbSNP rs2484574515, ClinGen allele CA2580615778.

ClinVar aggregate classification (germline): Pathogenic (1 of 4 stars; one submission).

Conditions:
Joubert syndrome 3 (JBTS3). Also called: AHI1-related Ciliopathy. Identifiers: Orphanet 220493, MedGen C1837713, MONDO:0012078, OMIM 608629.

Submission:

Institute of Human Genetics, University of Leipzig Medical Center
Classification: Pathogenic for Joubert syndrome 3. Last evaluated: 2023-07-26. Review status: criteria provided, single submitter. Criteria: ACMG Guidelines, 2015. Collection method: clinical testing. Allele origin: inherited. Inheritance: Autosomal recessive inheritance. Affected: yes.
Comment: Criteria applied: PVS1,PM2_SUP,PM3_SUP,PP4